The following is an entry in ClinVar:

NM_012200.4(B3GAT3):c.604G>T (p.Glu202Ter)

Gene: B3GAT3 (beta-1,3-glucuronyltransferase 3; minus strand). Cytogenetic location: 11q12.3.
Variant type: single nucleotide variant.
Coding change: c.604G>T on transcript NM_012200.4 (MANE Select); coding-DNA position 604, G replaced by T.
Protein change: p.Glu202Ter; replaces glutamic acid 202 with a stop codon.
Molecular consequence: nonsense. On other transcripts: non-coding transcript variant (1).
Genome position (GRCh38, 1-based): chr11:62,617,001, C>A on the plus strand (G>T on the coding strand, the complement: B3GAT3 is on the minus strand). VCF-style: chr11-62617001-C-A. GRCh37 (hg19) VCF-style: chr11-62384473-C-A.
Other names: c.583G>T, p.Glu195Ter (NM_001288721.2); c.604G>T, p.Glu202Ter (NM_001288722.2, NM_001288723.2); short protein forms E202*, E195*.
Identifiers: ClinVar variation 1991628 (VCV001991628.4), dbSNP rs1943043756, ClinGen allele CA380976592.

ClinVar aggregate classification (germline): Pathogenic (1 of 4 stars; one submission).

Conditions:
Larsen-like syndrome, B3GAT3 type. Also called: Multiple joint dislocations, short stature, craniofacial dysmorphism, with or without congenital heart defects; MULTIPLE JOINT DISLOCATIONS, SHORT STATURE, AND CRANIOFACIAL DYSMORPHISM WITH OR WITHOUT CONGENITAL HEART DEFECTS. Identifiers: Orphanet 284139, MedGen CN034159, MONDO:0009511, OMIM 245600.

Submission:

Labcorp Genetics (formerly Invitae), Labcorp
Classification: Pathogenic for Larsen-like syndrome, B3GAT3 type. Last evaluated: 2025-01-06. Review status: criteria provided, single submitter. Criteria: Invitae Variant Classification Sherloc (09022015). Collection method: clinical testing. Allele origin: germline.
Comment: This sequence change creates a premature translational stop signal (p.Glu202*) in the B3GAT3 gene. It is expected to result in an absent or disrupted protein product. Loss-of-function variants in B3GAT3 are known to be pathogenic (PMID: 25893793, 27871226). This variant is not present in population databases (gnomAD no frequency). This variant has not been reported in the literature in individuals affected with B3GAT3-related conditions. ClinVar contains an entry for this variant (Variation ID: 1991628). For these reasons, this variant has been classified as Pathogenic.

Literature cited by the submitters: PubMed 25893793; PubMed 27871226.